The following is an entry in ClinVar:

ClinVar aggregate classification (germline): Likely benign. Review status: criteria provided, multiple submitters, no conflicts (2 of 4 stars). 2 submissions from 2 submitters: Likely benign (2). Last evaluated 2022-11-01.

Conditions:
RYR1-related disorder. Also called: RYR1-related condition; RYR1-related disorders. Identifiers: MedGen CN239331.

Submissions (2):

CeGaT Center for Human Genetics Tuebingen
Classification: Likely benign. Last evaluated: 2022-11-01. Review status: criteria provided, single submitter. Criteria: CeGaT Center For Human Genetics Tuebingen Variant Classification Criteria Version 2. Collection method: clinical testing. Allele origin: germline. Affected: yes. Observed: 1 variant allele.
Comment: RYR1: PM2:Supporting, BP4, BP7

Labcorp Genetics (formerly Invitae), Labcorp
Classification: Likely benign for RYR1-related disorder. Last evaluated: 2022-03-11. Review status: criteria provided, single submitter. Criteria: Invitae Variant Classification Sherloc (09022015). Collection method: clinical testing. Allele origin: germline.

NM_000540.3(RYR1):c.1008T>G (p.Pro336=)

Gene: RYR1 (ryanodine receptor 1; plus strand). Cytogenetic location: 19q13.2.
Variant type: single nucleotide variant.
Coding change: c.1008T>G on transcript NM_000540.3 (MANE Select); coding-DNA position 1008, T replaced by G.
Protein change: p.Pro336=; no amino-acid change (proline 336 retained).
Molecular consequence: synonymous variant.
Genome position (GRCh38, 1-based): chr19:38,448,699, T>G. VCF-style: chr19-38448699-T-G. GRCh37 (hg19) VCF-style: chr19-38939339-T-G.
Other names: c.1008T>G, p.Pro336= (NM_001042723.2).
Identifiers: ClinVar variation 737548 (VCV000737548.38), dbSNP rs1600656795, ClinGen allele CA507352301.